The following is an entry in ClinVar:

NM_000891.3(KCNJ2):c.256G>A (p.Val86Ile)

Gene: KCNJ2 (potassium inwardly rectifying channel subfamily J member 2; plus strand). Cytogenetic location: 17q24.3.
Variant type: single nucleotide variant.
Coding change: c.256G>A on transcript NM_000891.3 (MANE Select); coding-DNA position 256, G replaced by A.
Protein change: p.Val86Ile; replaces valine 86 with isoleucine.
Molecular consequence: missense variant.
Genome position (GRCh38, 1-based): chr17:70,175,295, G>A. VCF-style: chr17-70175295-G-A. GRCh37 (hg19) VCF-style: chr17-68171436-G-A.
Other names: short protein forms V86I.
Identifiers: ClinVar variation 1809974 (VCV001809974.1), dbSNP rs786205814, ClinGen allele CA400860204.

ClinVar aggregate classification (germline): Uncertain significance (1 of 4 stars; one submission).

Submission:

GeneDx
Classification: Uncertain significance. Last evaluated: 2022-06-27. Review status: criteria provided, single submitter. Criteria: GeneDx Variant Classification Process June 2021. Collection method: clinical testing. Allele origin: germline. Affected: yes.
Comment: Not observed at significant frequency in large population cohorts (gnomAD); In silico analysis supports that this missense variant does not alter protein structure/function; Has not been previously published as pathogenic or benign to our knowledge